The following is an entry in ClinVar:

ClinVar aggregate classification (germline): Conflicting classifications of pathogenicity. Review status: criteria provided, conflicting classifications (1 of 4 stars). 5 submissions from 5 submitters: Likely pathogenic (4); Uncertain significance (1). Last evaluated 2025-07-09.

Conditions:
Autosomal recessive spinocerebellar ataxia 10. Identifiers: Orphanet 284289, MedGen C3150998, MONDO:0013392, OMIM 613728.

Allele frequency attached by ClinVar (database versions not stated): TOPMed 0.00001; ExAC 0.00002; gnomAD exomes 0.00002 and 0.00003; gnomAD 0.00003 and 0.00004; ESP Exome Variant Server 0.00008.
gnomAD v4.1: 35 of 1,614,006 alleles (0.0022%); highest among the groups gnomAD compares: Admixed American, 0.0033%; no homozygotes.

Submissions (5):

Athena Diagnostics
Classification: Likely pathogenic. Last evaluated: 2025-07-09. Review status: criteria provided, single submitter. Criteria: Athena Diagnostics Criteria. Collection method: clinical testing. Allele origin: unknown.
Comment: The frequency of this variant in the general population is consistent with pathogenicity. This variant has been identified in at least one individual with clinical features associated with this gene. Assessment of experimental evidence suggests this variant results in abnormal protein function. (PMID: 32620747)

Women's Health and Genetics/Laboratory Corporation of America, LabCorp
Classification: Likely pathogenic for Autosomal recessive spinocerebellar ataxia 10. Last evaluated: 2025-05-30. Review status: criteria provided, single submitter. Criteria: LabCorp Variant Classification Summary - May 2015. Collection method: clinical testing. Allele origin: germline.
Comment: Variant summary: ANO10 c.512T>C (p.Phe171Ser) results in a non-conservative amino acid change in the encoded protein sequence. Algorithms developed to predict the effect of missense changes on protein structure and function all suggest that this variant is likely to be disruptive. The variant allele was found at a frequency of 2.8e-05 in 251062 control chromosomes (gnomAD). c.512T>C has been reported in the literature in individuals affected with cerebellar ataxia (Renaud_2014, Benkirane_2021), and one was reported as compound heterozygous with a (likely) pathogenic variant. These data indicate that the variant may be associated with disease. At least one publication reports experimental evidence evaluating an impact on protein function and this variant affects the ANO10 protein function (Petkovic_2020). The following publications have been ascertained in the context of this evaluation (PMID: 34234304, 32620747, 25089919). ClinVar contains an entry for this variant (Variation ID: 446836). Based on the evidence outlined above, the variant was classified as likely pathogenic.

Fulgent Genetics
Classification: Likely pathogenic for Autosomal recessive spinocerebellar ataxia 10. Last evaluated: 2024-06-14. Review status: criteria provided, single submitter. Criteria: ACMG Guidelines, 2015. Collection method: clinical testing. Allele origin: germline.

GeneDx
Classification: Uncertain significance. Last evaluated: 2024-06-10. Review status: criteria provided, single submitter. Criteria: GeneDx Variant Classification Process June 2021. Collection method: clinical testing. Allele origin: germline. Affected: yes.
Comment: Not observed at significant frequency in large population cohorts (gnomAD); In silico analysis supports that this missense variant has a deleterious effect on protein structure/function; This variant is associated with the following publications: (PMID: 27142713, 32620747, 25089919, 37152446, 34234304)

Labcorp Genetics (formerly Invitae), Labcorp
Classification: Likely pathogenic. Last evaluated: 2024-01-31. Review status: criteria provided, single submitter. Criteria: Invitae Variant Classification Sherloc (09022015). Collection method: clinical testing. Allele origin: germline.
Comment: This sequence change replaces phenylalanine, which is neutral and non-polar, with serine, which is neutral and polar, at codon 171 of the ANO10 protein (p.Phe171Ser). This variant is present in population databases (rs373386030, gnomAD 0.006%). This missense change has been observed in individuals with clinical features of spinocerebellar ataxia (PMID: 25089919, 34234304). ClinVar contains an entry for this variant (Variation ID: 446836). Advanced modeling of protein sequence and biophysical properties (such as structural, functional, and spatial information, amino acid conservation, physicochemical variation, residue mobility, and thermodynamic stability) has been performed at Invitae for this missense variant, however the output from this modeling did not meet the statistical confidence thresholds required to predict the impact of this variant on ANO10 protein function. Experimental studies have shown that this missense change affects ANO10 function (PMID: 32620747). In summary, the currently available evidence indicates that the variant is pathogenic, but additional data are needed to prove that conclusively. Therefore, this variant has been classified as Likely Pathogenic.

Literature cited by the submitters: PubMed 30515630 (cited by Athena Diagnostics); PubMed 36698452 (cited by Athena Diagnostics); PubMed 27142713 (cited by Athena Diagnostics); PubMed 34234304 (cited by 3 submitters); PubMed 36959044 (cited by Athena Diagnostics); PubMed 25089919 (cited by 3 submitters); PubMed 25425649 (cited by Athena Diagnostics); PubMed 32620747 (cited by 3 submitters); PubMed 31477691 (cited by Athena Diagnostics).

NM_018075.5(ANO10):c.512T>C (p.Phe171Ser)

Gene: ANO10 (anoctamin 10; minus strand). Cytogenetic location: 3p22.1.
Variant type: single nucleotide variant.
Coding change: c.512T>C on transcript NM_018075.5 (MANE Select); coding-DNA position 512, T replaced by C.
Protein change: p.Phe171Ser; replaces phenylalanine 171 with serine.
Molecular consequence: missense variant.
Genome position (GRCh38, 1-based): chr3:43,580,433, A>G on the plus strand (T>C on the coding strand, the complement: ANO10 is on the minus strand). VCF-style: chr3-43580433-A-G. GRCh37 (hg19) VCF-style: chr3-43621925-A-G.
Other names: c.512T>C, p.Phe171Ser (NM_001204831.3, NM_001204834.3, NM_001346463.2 and 4 more transcripts); c.314T>C, p.Phe105Ser (NM_001204832.3, NM_001346466.2, NM_001346469.2); c.179T>C, p.Phe60Ser (NM_001204833.3); c.512T>C (NM_018075.4); short protein forms F171S, F105S, F60S.
Identifiers: ClinVar variation 446836 (VCV000446836.14), dbSNP rs373386030, ClinGen allele CA2341027.